The following is an entry in ClinVar:

NM_001374353.1(GLI2):c.67G>A (p.Ala23Thr)

Gene: GLI2 (GLI family zinc finger 2; plus strand). Cytogenetic location: 2q14.2.
Variant type: single nucleotide variant.
Coding change: c.67G>A on transcript NM_001374353.1 (MANE Select); coding-DNA position 67, G replaced by A.
Protein change: p.Ala23Thr; replaces alanine 23 with threonine.
Molecular consequence: missense variant. On other transcripts: 5 prime UTR variant (1).
Genome position (GRCh38, 1-based): chr2:120,797,387, G>A. VCF-style: chr2-120797387-G-A. GRCh37 (hg19) VCF-style: chr2-121554963-G-A.
Other names: c.67G>A, p.Ala23Thr (NM_001371271.1, NM_005270.5); c.-203G>A (NM_001374354.1); c.67G>A (NM_005270.4); short protein forms A23T.
Identifiers: ClinVar variation 1049892 (VCV001049892.5), dbSNP rs201834541, ClinGen allele CA1851388.

ClinVar aggregate classification (germline): Conflicting classifications of pathogenicity. Review status: criteria provided, conflicting classifications (1 of 4 stars). 3 submissions from 3 submitters: Uncertain significance (1); Likely benign (1). 1 of the submissions does not count toward it. Last evaluated 2025-07-23.

Conditions:
Inborn genetic diseases. Identifiers: MedGen C0950123, MeSH D030342.
GLI2-related disorder. Also called: GLI2-related disorders; GLI2-related condition.

Allele frequency attached by ClinVar (database versions not stated): gnomAD 0.00006 and 0.00005; gnomAD exomes 0.00001 and 0.00003; ExAC 0.00002; TOPMed 0.00005.
gnomAD v4.1: 27 of 1,613,606 alleles (0.0017%); highest among the groups gnomAD compares: African/African-American, 0.021%; no homozygotes.

Submissions (3):

Ambry Genetics
Classification: Likely benign for Inborn genetic diseases. Last evaluated: 2025-07-23. Review status: criteria provided, single submitter. Criteria: Ambry Variant Classification Scheme 2023. Collection method: clinical testing. Allele origin: germline.

PreventionGenetics, part of Exact Sciences
Classification: Uncertain significance for GLI2-related condition. Last evaluated: 2023-06-29. Review status: criteria provided, single submitter. Criteria: ACMG Guidelines, 2015. Collection method: clinical testing. Allele origin: germline.
Comment: The GLI2 c.67G>A variant is predicted to result in the amino acid substitution p.Ala23Thr. To our knowledge, this variant has not been reported in the literature. This variant is reported in 0.0080% of alleles in individuals of African descent in gnomAD. At this time, the clinical significance of this variant is uncertain due to the absence of conclusive functional and genetic evidence.

Department of Pathology and Laboratory Medicine, Sinai Health System
Classification: Uncertain significance. Review status: no assertion criteria provided. Collection method: clinical testing. Allele origin: unknown. Affected: yes. Study: The Canadian Open Genetics Repository (COGR). Not counted in ClinVar's aggregate classification.
Comment: The GLI2 p.Ala23Thr variant was not identified in the literature nor was it identified in ClinVar. The variant was identified in dbSNP (ID: rs201834541) and LOVD 3.0 (reported as likely benign). The variant was identified in control databases in 8 of 282686 chromosomes at a frequency of 0.0000283 (Genome Aggregation Database March 6, 2019, v2.1.1). The variant was observed in the following populations: African in 2 of 24916 chromosomes (freq: 0.00008), South Asian in 2 of 30616 chromosomes (freq: 0.000065), East Asian in 1 of 19952 chromosomes (freq: 0.00005), Latino in 1 of 35434 chromosomes (freq: 0.000028) and European (non-Finnish) in 2 of 129062 chromosomes (freq: 0.000016), but was not observed in the Ashkenazi Jewish, European (Finnish), or Other populations. The p.Ala23 residue is not conserved in mammals and computational analyses (PolyPhen-2, SIFT, AlignGVGD, BLOSUM, MutationTaster) do not suggest a high likelihood of impact to the protein; however, this information is not predictive enough to rule out pathogenicity. The variant occurs outside of the splicing consensus sequence and 1 of 4 in silico or computational prediction software programs (SpliceSiteFinder, MaxEntScan, NNSPLICE, GeneSplicer) predict a greater than 10% difference in splicing; this is not very predictive of pathogenicity. In summary, based on the above information the clinical significance of this variant cannot be determined with certainty at this time. This variant is classified as a variant of uncertain significance.

Literature cited by the submitters: PubMed 36413997 (cited by Ambry Genetics).